The following is an entry in ClinVar:

NM_001134407.3(GRIN2A):c.1328+2T>C

Gene: GRIN2A (glutamate ionotropic receptor NMDA type subunit 2A; minus strand). Cytogenetic location: 16p13.2.
Variant type: single nucleotide variant.
Coding change: c.1328+2T>C on transcript NM_001134407.3 (MANE Select); the canonical splice donor site of the intron after coding-DNA position 1328, T replaced by C.
Molecular consequence: splice donor variant.
Genome position (GRCh38, 1-based): chr16:9,849,754, A>G on the plus strand (T>C on the coding strand, the complement: GRIN2A is on the minus strand). VCF-style: chr16-9849754-A-G. GRCh37 (hg19) VCF-style: chr16-9943611-A-G.
Other names: c.1328+2T>C (NM_001134408.2, NM_000833.5).
Identifiers: ClinVar variation 933446 (VCV000933446.4), dbSNP rs2042847630, ClinGen allele CA394800911.

ClinVar aggregate classification (germline): Likely pathogenic (1 of 4 stars; one submission).

Conditions:
Landau-Kleffner syndrome (FESD). Also called: EPILEPSY, FOCAL, WITH SPEECH DISORDER AND WITH OR WITHOUT MENTAL RETARDATION; APHASIA, ACQUIRED, WITH EPILEPSY. Identifiers: Orphanet 1945, Orphanet 725, Orphanet 98818, MedGen C0282512, MONDO:0009509, OMIM 245570.

Submission:

Labcorp Genetics (formerly Invitae), Labcorp
Classification: Likely pathogenic for Landau-Kleffner syndrome. Last evaluated: 2024-11-20. Review status: criteria provided, single submitter. Criteria: Invitae Variant Classification Sherloc (09022015). Collection method: clinical testing. Allele origin: germline.
Comment: This sequence change affects a donor splice site in intron 6 of the GRIN2A gene. It is expected to disrupt RNA splicing. Variants that disrupt the donor or acceptor splice site typically lead to a loss of protein function (PMID: 16199547), and loss-of-function variants in GRIN2A are known to be pathogenic (PMID: 23933819, 23933820). This variant is not present in population databases (gnomAD no frequency). This variant has not been reported in the literature in individuals affected with GRIN2A-related conditions. ClinVar contains an entry for this variant (Variation ID: 933446). Algorithms developed to predict the effect of sequence changes on RNA splicing suggest that this variant may disrupt the consensus splice site. In summary, the currently available evidence indicates that the variant is pathogenic, but additional data are needed to prove that conclusively. Therefore, this variant has been classified as Likely Pathogenic.

Literature cited by the submitters: PubMed 16199547; PubMed 23933819; PubMed 23933820.